The following is an entry in ClinVar:

NM_000540.3(RYR1):c.14913G>A (p.Thr4971=)

Gene: RYR1 (ryanodine receptor 1; plus strand). Cytogenetic location: 19q13.2.
Variant type: single nucleotide variant.
Coding change: c.14913G>A on transcript NM_000540.3 (MANE Select); coding-DNA position 14913, G replaced by A.
Protein change: p.Thr4971=; no amino-acid change (threonine 4971 retained).
Molecular consequence: synonymous variant.
Genome position (GRCh38, 1-based): chr19:38,586,135, G>A. VCF-style: chr19-38586135-G-A. GRCh37 (hg19) VCF-style: chr19-39076775-G-A.
Other names: c.14898G>A, p.Thr4966= (NM_001042723.2).
Identifiers: ClinVar variation 1593997 (VCV001593997.33), dbSNP rs376180682, ClinGen allele CA061797.

ClinVar aggregate classification (germline): Likely benign. Review status: criteria provided, multiple submitters, no conflicts (2 of 4 stars). 4 submissions from 4 submitters: Likely benign (4). Last evaluated 2025-01-14.

Conditions:
RYR1-related disorder. Also called: RYR1-related condition; RYR1-related disorders. Identifiers: MedGen CN239331.
Malignant hyperthermia, susceptibility to, 1 (MHS1). Also called: RYR1-Related Malignant Hyperthermia Susceptibility; Malignant hyperthermia suceptibility 1; Anesthesia related hyperthermia; Malignant hyperpyrexia; Fulminating hyperpyrexia; Pharmacogenic myopathy. Identifiers: Orphanet 423, MedGen C2930980, MONDO:0007783, OMIM 145600.

Allele frequency attached by ClinVar (database versions not stated): gnomAD 0.00001; gnomAD exomes 0.00001; ExAC 0.00003; ESP Exome Variant Server 0.00008.
gnomAD v4.1: 17 of 1,613,948 alleles (0.0011%); highest among the groups gnomAD compares: East Asian, 0.011%; no homozygotes.

Submissions (4):

Women's Health and Genetics/Laboratory Corporation of America, LabCorp
Classification: Likely benign. Last evaluated: 2025-01-14. Review status: criteria provided, single submitter. Criteria: LabCorp Variant Classification Summary - May 2015. Collection method: clinical testing. Allele origin: germline.

Labcorp Genetics (formerly Invitae), Labcorp
Classification: Likely benign for RYR1-related disorder. Last evaluated: 2024-12-30. Review status: criteria provided, single submitter. Criteria: Invitae Variant Classification Sherloc (09022015). Collection method: clinical testing. Allele origin: germline.

Color Diagnostics, LLC DBA Color Health
Classification: Likely benign for Malignant hyperthermia, susceptibility to, 1. Last evaluated: 2022-11-06. Review status: criteria provided, single submitter. Criteria: ACMG Guidelines, 2015. Collection method: clinical testing. Allele origin: germline.

CeGaT Center for Human Genetics Tuebingen
Classification: Likely benign. Last evaluated: 2022-04-01. Review status: criteria provided, single submitter. Criteria: CeGaT Center For Human Genetics Tuebingen Variant Classification Criteria Version 2. Collection method: clinical testing. Allele origin: germline. Affected: yes. Observed: 1 variant allele.
Comment: RYR1: BP4, BP7